The following is an entry in ClinVar:

NM_001025598.2(ARHGAP30):c.1021C>G (p.Pro341Ala)

Gene: ARHGAP30 (Rho GTPase activating protein 30; minus strand). Cytogenetic location: 1q23.3.
Variant type: single nucleotide variant.
Coding change: c.1021C>G on transcript NM_001025598.2 (MANE Select); coding-DNA position 1021, C replaced by G.
Protein change: p.Pro341Ala; replaces proline 341 with alanine.
Molecular consequence: missense variant.
Genome position (GRCh38, 1-based): chr1:161,051,713, G>C on the plus strand (C>G on the coding strand, the complement: ARHGAP30 is on the minus strand). VCF-style: chr1-161051713-G-C. GRCh37 (hg19) VCF-style: chr1-161021503-G-C.
Other names: c.577C>G, p.Pro193Ala (NM_001287600.2); c.490C>G, p.Pro164Ala (NM_001287602.2); c.1021C>G, p.Pro341Ala (NM_181720.3); short protein forms P164A, P341A, P193A.
Identifiers: ClinVar variation 4642331 (VCV004642331.1).
Genomic context (GRCh38, chr1:161,051,713, plus strand): 5'-CCAAGCTCTCAGGCAGCAATGGGCTTGGCCGGGGGCTGCTGGGCCCCACCAGCCCCTCTG[G>C]CTCTGTGGAGGAAAAAGAGGGCCAGGTAGGCAATAGCCTAAACTCCAAGGGGCCTAGACA-3'
Protein context (NP_001020769.1, residues 331-351): LSAAAGASDE[Pro341Ala]EGLVGPSSPR

ClinVar aggregate classification (germline): Uncertain significance (1 of 4 stars; one submission).

gnomAD v4.1: 14 of 1,602,572 alleles (0.00087%); highest among the groups gnomAD compares: Middle Eastern, 0.017%; no homozygotes.

Submission:

Ambry Genetics
Classification: Uncertain significance. Last evaluated: 2025-12-08. Review status: criteria provided, single submitter. Criteria: Ambry Variant Classification Scheme 2023. Collection method: clinical testing. Allele origin: germline.
Comment: The c.1021C>G (p.P341A) alteration is located in exon 10 (coding exon 10) of the ARHGAP30 gene. This alteration results from a C to G substitution at nucleotide position 1021, causing the proline (P) at amino acid position 341 to be replaced by an alanine (A). Based on data from gnomAD, the G allele has an overall frequency of <0.001% (1/228572) total alleles studied. The highest observed frequency was 0.003% (1/32598) of Latino alleles. Based on insufficient or conflicting evidence, the clinical significance of this alteration remains unclear.